The following is an entry in ClinVar:

NM_001105206.3(LAMA4):c.4899_4902del (p.Gln1633fs)

Gene: LAMA4 (laminin subunit alpha 4; minus strand). Cytogenetic location: 6q21.
Variant type: Deletion.
Coding change: c.4899_4902del on transcript NM_001105206.3 (MANE Select); coding-DNA positions 4899 to 4902, 4 bases deleted (GACA; older notation c.4899_4902delGACA).
Protein change: p.Gln1633fs; shifts the reading frame from glutamine 1633.
Molecular consequence: frameshift variant.
Genome position (GRCh38, 1-based): chr6:112,117,818-112,117,821, TGTC deleted on the plus strand (GACA on the coding strand, the reverse complement: LAMA4 is on the minus strand); deleting any 4 consecutive bases within chr6:112,117,818-112,117,823 gives the same sequence; the c. name uses the placement nearest the transcript's 3' end. VCF-style (leftmost placement, unchanged base first): chr6-112117817-ATGTC-A. GRCh37 (hg19) VCF-style: chr6-112439020-ATGTC-A.
Other names: c.4878_4881del, p.Gln1626fs (NM_001105207.3, NM_002290.5); short protein forms Q1626fs, Q1633fs.
Identifiers: ClinVar variation 1366221 (VCV001366221.6), dbSNP rs2114575137, ClinGen allele CA2573140403.

ClinVar aggregate classification (germline): Uncertain significance (1 of 4 stars; one submission).

Conditions:
Dilated cardiomyopathy 1JJ (CMD1JJ). Identifiers: Orphanet 154, MedGen C3808935, MONDO:0014095, OMIM 615235.

Submission:

Labcorp Genetics (formerly Invitae), Labcorp
Classification: Uncertain significance for Dilated cardiomyopathy 1JJ. Last evaluated: 2025-08-25. Review status: criteria provided, single submitter. Criteria: Invitae Variant Classification Sherloc (09022015). Collection method: clinical testing. Allele origin: germline.
Comment: This sequence change creates a premature translational stop signal (p.Gln1626Hisfs*4) in the LAMA4 gene. It is expected to result in an absent or disrupted protein product. However, the current clinical and genetic evidence is not sufficient to establish whether loss-of-function variants in LAMA4 cause disease. This variant is not present in population databases (gnomAD no frequency). This variant has not been reported in the literature in individuals affected with LAMA4-related conditions. ClinVar contains an entry for this variant (Variation ID: 1366221). Algorithms developed to predict the effect of sequence changes on RNA splicing suggest that this variant may disrupt the consensus splice site. In summary, the available evidence is currently insufficient to determine the role of this variant in disease. Therefore, it has been classified as a Variant of Uncertain Significance.